The following is an entry in ClinVar:

NM_001166108.2(PALLD):c.3344G>C (p.Arg1115Thr)

Genes: CBR4 (carbonyl reductase 4; minus strand), PALLD (palladin, cytoskeletal associated protein; plus strand). Cytogenetic location: 4q32.3.
Variant type: single nucleotide variant.
Coding change: c.3344G>C on transcript NM_001166108.2 (MANE Select); coding-DNA position 3344, G replaced by C.
Protein change: p.Arg1115Thr; replaces arginine 1115 with threonine.
Molecular consequence: missense variant.
Genome position (GRCh38, 1-based): chr4:168,925,064, G>C. VCF-style: chr4-168925064-G-C. GRCh37 (hg19) VCF-style: chr4-169846215-G-C.
Other names: c.2147G>C, p.Arg716Thr (NM_001166109.2); c.1832G>C, p.Arg611Thr (NM_001166110.2); c.1172G>C, p.Arg391Thr (NM_001367567.1, NM_001367569.1); c.1223G>C, p.Arg408Thr (NM_001367568.1, NM_001367570.1); c.3293G>C, p.Arg1098Thr (NM_016081.4); short protein forms R1098T, R611T, R391T, R716T, R1115T, R408T.
Identifiers: ClinVar variation 3885335 (VCV003885335.1).

ClinVar aggregate classification (germline): Uncertain significance (1 of 4 stars; one submission).

gnomAD v4.1: 1 of 1,614,074 alleles (0.000062%); highest among the groups gnomAD compares: Non-Finnish European, 0.000085%; no homozygotes.

Submission:

Ambry Genetics
Classification: Uncertain significance. Last evaluated: 2025-02-12. Review status: criteria provided, single submitter. Criteria: Ambry Variant Classification Scheme 2023. Collection method: clinical testing. Allele origin: germline.
Comment: The p.R611T variant (also known as c.1832G>C), located in coding exon 10 of the PALLD gene, results from a G to C substitution at nucleotide position 1832. The arginine at codon 611 is replaced by threonine, an amino acid with similar properties. This amino acid position is conserved. In addition, this alteration is predicted to be deleterious by in silico analysis. Based on the available evidence, the clinical significance of this variant remains unclear.